The following is an entry in ClinVar:

ClinVar aggregate classification (germline): Pathogenic (1 of 4 stars; one submission).

Submission:

GeneDx
Classification: Pathogenic. Last evaluated: 2015-10-19. Review status: criteria provided, single submitter. Criteria: GeneDx Variant Classification (06012015). Collection method: clinical testing. Allele origin: germline. Affected: yes.
Comment: The L877X pathogenic variant in the CASK gene has not been reported previously as a pathogenic variant nor as a benign variant, to our knowledge. This variant is predicted to cause loss of normal protein function through protein truncation. The L877X variant was not observed in approximately 6500 individuals of European and African American ancestry in the NHLBI Exome Sequencing Project, indicating it is not a common benign variant in these populations. We interpret L877X as a pathogenic variant.

NM_001367721.1(CASK):c.2645T>G (p.Leu882Ter)

Genes: CASK-AS1 (CASK antisense RNA 1; plus strand), CASK (calcium/calmodulin dependent serine protein kinase; minus strand). Cytogenetic location: Xp11.4.
Variant type: single nucleotide variant.
Coding change: c.2645T>G on transcript NM_001367721.1 (MANE Select); coding-DNA position 2645, T replaced by G.
Protein change: p.Leu882Ter; replaces leucine 882 with a stop codon.
Molecular consequence: nonsense.
Genome position (GRCh38, 1-based): chrX:41,520,556, A>C on the plus strand (T>G on the coding strand, the complement: CASK is on the minus strand). VCF-style: chrX-41520556-A-C. GRCh37 (hg19) VCF-style: chrX-41379809-A-C.
Other names: c.2561T>G, p.Leu854Ter (NM_001126054.3); c.2558T>G, p.Leu853Ter (NM_001126055.3); c.2627T>G, p.Leu876Ter (NM_001410745.1); c.2630T>G, p.Leu877Ter (NM_003688.4); short protein forms L877*, L853*, L854*, L882*, L876*.
Identifiers: ClinVar variation 279991 (VCV000279991.2), dbSNP rs886041306, ClinGen allele CA10603670.